The following is an entry in ClinVar:

ClinVar aggregate classification (germline): Pathogenic (1 of 4 stars; one submission).

Conditions:
VPS13A-related neurodegenerative disease. Also called: ACANTHOCYTOSIS WITH NEUROLOGIC DISORDER; LEVINE-CRITCHLEY SYNDROME; Choreoacanthocytosis; Chorea-acanthocytosis; Choreaacanthocytosis; VPS13A Disease. Identifiers: Orphanet 2388, MedGen C0393576, MONDO:0008695, OMIM 200150.

Submission:

Myriad Genetics, Inc.
Classification: Pathogenic for VPS13A-related neurodegenerative disease. Last evaluated: 2025-06-10. Review status: criteria provided, single submitter. Criteria: Myriad Autosomal Dominant, Autosomal Recessive and X-Linked Classification Criteria (2023). Collection method: clinical testing. Allele origin: unknown.
Comment: NM_033305.2(VPS13A):c.3848delT(L1283Rfs*7) is expected to be pathogenic in the context of VPS13A disease. This variant is predicted to lead to an abnormal or absent protein product due to the creation of a premature termination codon in VPS13A, a gene where loss-of-function variants are known to be pathogenic. Please note: this variant was assessed in the context of healthy population screening.

NM_033305.3(VPS13A):c.3848del (p.Leu1283fs)

Gene: VPS13A (vacuolar protein sorting 13 homolog A; plus strand). Cytogenetic location: 9q21.2.
Variant type: Deletion.
Coding change: c.3848del on transcript NM_033305.3 (MANE Select); coding-DNA position 3848, one base deleted (T; older notation c.3848delT).
Protein change: p.Leu1283fs; shifts the reading frame from leucine 1283.
Molecular consequence: frameshift variant.
Genome position (GRCh38, 1-based): chr9:77,302,950, T deleted. VCF-style (leftmost placement, unchanged base first): chr9-77302949-CT-C. GRCh37 (hg19) VCF-style: chr9-79917865-CT-C.
Other names: c.3731del, p.Leu1244fs (NM_001018037.2); c.3848del, p.Leu1283fs (NM_001018038.3, NM_015186.4); short protein forms L1244fs, L1283fs.
Identifiers: ClinVar variation 5014577 (VCV005014577.1).
Genomic context (GRCh38, chr9:77,302,949, plus strand): 5'-TAAAAGAATGTTATCTCTACTTATAGATCTCGATTTATTAATGATGCATACCAGGAAGTA[CT>C]GGATCTACTCCTGCCATTAAATCTTGAGGTTGTGGTTGAACGAAATTTATGCTGGGAGTG-3'